The following is an entry in ClinVar:

ClinVar aggregate classification (germline): Likely benign. Review status: criteria provided, multiple submitters, no conflicts (2 of 4 stars). 4 submissions from 4 submitters: Likely benign (3). 1 of the submissions does not count toward it. Last evaluated 2026-01-27.

Conditions:
SAMD11-related disorder. Also called: SAMD11-related condition.

Allele frequency attached by ClinVar (database versions not stated): ExAC 0.00054; gnomAD exomes 0.00078 and 0.00175; gnomAD 0.00104 and 0.00108; ESP Exome Variant Server 0.00108; TOPMed 0.00125.

Submissions (4):

Labcorp Genetics (formerly Invitae), Labcorp
Classification: Likely benign. Last evaluated: 2026-01-27. Review status: criteria provided, single submitter. Criteria: Invitae Variant Classification Sherloc (09022015). Collection method: clinical testing. Allele origin: germline.

Blueprint Genetics
Classification: Likely benign. Last evaluated: 2024-09-18. Review status: criteria provided, single submitter. Criteria: ACMG Guidelines, 2015. Collection method: clinical testing. Allele origin: germline.

Breakthrough Genomics
Classification: Likely benign. Review status: criteria provided, single submitter. Criteria: ACMG Guidelines, 2015. Collection method: not provided. Allele origin: germline. Inheritance: Unknown mechanism. Affected: yes.

PreventionGenetics, part of Exact Sciences
Classification: Likely benign for SAMD11-related condition. Last evaluated: 2019-06-21. Review status: no assertion criteria provided. Collection method: clinical testing. Allele origin: germline. Not counted in ClinVar's aggregate classification.
Comment: This variant is classified as likely benign based on ACMG/AMP sequence variant interpretation guidelines (Richards et al. 2015 PMID: 25741868, with internal and published modifications).

NM_001385641.1(SAMD11):c.2343G>A (p.Leu781=)

Gene: SAMD11 (sterile alpha motif domain containing 11; plus strand). Cytogenetic location: 1p36.33.
Variant type: single nucleotide variant.
Coding change: c.2343G>A on transcript NM_001385641.1 (MANE Select); coding-DNA position 2343, G replaced by A.
Protein change: p.Leu781=; no amino-acid change (leucine 781 retained).
Molecular consequence: synonymous variant.
Genome position (GRCh38, 1-based): chr1:943,961, G>A. VCF-style: chr1-943961-G-A. GRCh37 (hg19) VCF-style: chr1-879341-G-A.
Other names: c.2346G>A, p.Leu782= (NM_001385640.1); c.1854G>A, p.Leu618= (NM_152486.4); c.1854G>A (NM_152486.2).
Identifiers: ClinVar variation 1122921 (VCV001122921.13), dbSNP rs139574491, ClinGen allele CA503351.